The following is an entry in ClinVar:

ClinVar aggregate classification (germline): Uncertain significance (1 of 4 stars; one submission).

Conditions:
Hypertrophic cardiomyopathy 2. Also called: TNNT2-Related Familial Hypertrophic Cardiomyopathy. Identifiers: MedGen C1861864, MONDO:0007266, OMIM 115195.
Dilated cardiomyopathy 1D. Identifiers: Orphanet 154, Orphanet 54260, MedGen C1832243, MONDO:0011095, OMIM 601494.
Cardiomyopathy, familial restrictive, 3. Identifiers: Orphanet 75249, MedGen C2676271, MONDO:0012900, OMIM 612422.

gnomAD v4.1: 1 of 1,610,490 alleles (0.000062%); highest among the groups gnomAD compares: Non-Finnish European, 0.000085%; no homozygotes.

Submission:

Labcorp Genetics (formerly Invitae), Labcorp
Classification: Uncertain significance for Cardiomyopathy, familial restrictive, 3; Hypertrophic cardiomyopathy 2; Dilated cardiomyopathy 1D. Last evaluated: 2026-01-25. Review status: criteria provided, single submitter. Criteria: Invitae Variant Classification Sherloc (09022015). Collection method: clinical testing. Allele origin: germline.
Comment: This sequence change falls in intron 15 of the TNNT2 gene. It does not directly change the encoded amino acid sequence of the TNNT2 protein. This variant is not present in population databases (gnomAD no frequency). This variant has not been reported in the literature in individuals affected with TNNT2-related conditions. Algorithms developed to predict the effect of sequence changes on RNA splicing suggest that this variant may disrupt the consensus splice site. In summary, the available evidence is currently insufficient to determine the role of this variant in disease. Therefore, it has been classified as a Variant of Uncertain Significance.

NM_001276345.2(TNNT2):c.852-5T>G

Gene: TNNT2 (troponin T2, cardiac type; minus strand). Cytogenetic location: 1q32.1.
Variant type: single nucleotide variant.
Coding change: c.852-5T>G on transcript NM_001276345.2 (MANE Select); 5 bases into the intron before coding-DNA position 852, T replaced by G.
Molecular consequence: intron variant.
Genome position (GRCh38, 1-based): chr1:201,359,260, A>C on the plus strand (T>G on the coding strand, the complement: TNNT2 is on the minus strand). VCF-style: chr1-201359260-A-C. GRCh37 (hg19) VCF-style: chr1-201328388-A-C.
Other names: c.813-5T>G (NM_001406727.1, NM_001001431.3, NM_001406726.1); c.822-5T>G (NM_001406724.1, NM_001001430.3, NM_001276347.2); c.804-5T>G (NM_001001432.3); c.807-5T>G (NM_001406728.1); c.819-5T>G (NM_001406725.1); c.723-5T>G (NM_001276346.2); c.843-5T>G (NM_000364.4, NM_001406723.1).
Identifiers: ClinVar variation 4793123 (VCV004793123.1).
Genomic context (GRCh38, chr1:201,359,260, plus strand): 5'-AGGCCAGGCTCTATTTCCAGCGCCCGGTGACTTTAGCCTTCCCGCGGGTCTTGGAGCTGC[A>C]GGGGAAGCAGGACGCAGTGACATGGAGACACAGGCAGGGTAGTAGGTCACCATGCGGCTG-3'